The following is an entry in ClinVar:

ClinVar aggregate classification (germline): Conflicting classifications of pathogenicity. Review status: criteria provided, conflicting classifications (1 of 4 stars). 2 submissions from 2 submitters: Uncertain significance (1); Likely benign (1). Last evaluated 2025-06-17.

Conditions:
Lethal congenital glycogen storage disease of heart. Also called: GLYCOGEN STORAGE DISEASE OF HEART; PHOSPHORYLASE KINASE DEFICIENCY OF HEART. Identifiers: Orphanet 439854, MedGen C1849813, MONDO:0009867, OMIM 261740.
Cardiomyopathy (CMYO). Also called: Cardiomyopathies. Identifiers: Orphanet 167848, MedGen C0878544, MONDO:0004994, HP:0001638. Inheritance: Various modes of inheritance.

Submissions (2):

Color Diagnostics, LLC DBA Color Health
Classification: Likely benign for Cardiomyopathy. Last evaluated: 2025-06-17. Review status: criteria provided, single submitter. Criteria: ACMG Guidelines, 2015. Collection method: clinical testing. Allele origin: germline.

Labcorp Genetics (formerly Invitae), Labcorp
Classification: Uncertain significance for Lethal congenital glycogen storage disease of heart. Last evaluated: 2025-04-17. Review status: criteria provided, single submitter. Criteria: Invitae Variant Classification Sherloc (09022015). Collection method: clinical testing. Allele origin: germline.
Comment: This sequence change affects codon 350 of the PRKAG2 mRNA. It is a 'silent' change, meaning that it does not change the encoded amino acid sequence of the PRKAG2 protein. It affects a nucleotide within the consensus splice site. This variant is not present in population databases (gnomAD no frequency). This variant has not been reported in the literature in individuals affected with PRKAG2-related conditions. ClinVar contains an entry for this variant (Variation ID: 1521123). Algorithms developed to predict the effect of sequence changes on RNA splicing suggest that this variant is not likely to affect RNA splicing. In summary, the available evidence is currently insufficient to determine the role of this variant in disease. Therefore, it has been classified as a Variant of Uncertain Significance.

NM_016203.4(PRKAG2):c.1050G>A (p.Arg350=)

Gene: PRKAG2 (protein kinase AMP-activated non-catalytic subunit gamma 2; minus strand). Cytogenetic location: 7q36.1.
Variant type: single nucleotide variant.
Coding change: c.1050G>A on transcript NM_016203.4 (MANE Select); coding-DNA position 1050, G replaced by A.
Protein change: p.Arg350=; no amino-acid change (arginine 350 retained).
Molecular consequence: synonymous variant.
Genome position (GRCh38, 1-based): chr7:151,572,665, C>T on the plus strand (G>A on the coding strand, the complement: PRKAG2 is on the minus strand). VCF-style: chr7-151572665-C-T. GRCh37 (hg19) VCF-style: chr7-151269751-C-T.
Other names: c.918G>A, p.Arg306= (NM_001040633.2); c.675G>A, p.Arg225= (NM_001304527.2); c.327G>A, p.Arg109= (NM_001304531.2, NM_024429.2); c.678G>A, p.Arg226= (NM_001363698.2).
Identifiers: ClinVar variation 1521123 (VCV001521123.9), dbSNP rs2151023937, ClinGen allele CA458670179.